The following is an entry in ClinVar:

NM_001329943.3(KIAA0586):c.3179C>G (p.Pro1060Arg)

Gene: KIAA0586 (KIAA0586; plus strand). Cytogenetic location: 14q23.1.
Variant type: single nucleotide variant.
Coding change: c.3179C>G on transcript NM_001329943.3 (MANE Select); coding-DNA position 3179, C replaced by G.
Protein change: p.Pro1060Arg; replaces proline 1060 with arginine.
Molecular consequence: missense variant.
Genome position (GRCh38, 1-based): chr14:58,487,041, C>G. VCF-style: chr14-58487041-C-G. GRCh37 (hg19) VCF-style: chr14-58953759-C-G.
Other names: c.2951C>G (NM_014749.3); c.3338C>G, p.Pro1113Arg (NM_001244189.2); c.3134C>G, p.Pro1045Arg (NM_001244190.2); c.2924C>G, p.Pro975Arg (NM_001244191.2, NM_001329945.2, NM_001364700.1 and 1 more transcripts); c.3047C>G, p.Pro1016Arg (NM_001244192.2); c.2759C>G, p.Pro920Arg (NM_001244193.2); c.3179C>G, p.Pro1060Arg (NM_001329944.2, NM_001329946.2, NM_001329947.2); c.2951C>G, p.Pro984Arg (NM_014749.5); short protein forms P1060R, P975R, P984R, P1113R, P920R, P1016R, P1045R.
Identifiers: ClinVar variation 1934250 (VCV001934250.6), dbSNP rs776461604, ClinGen allele CA7206089.

ClinVar aggregate classification (germline): Uncertain significance. Review status: criteria provided, multiple submitters, no conflicts (2 of 4 stars). 2 submissions from 2 submitters: Uncertain significance (2). Last evaluated 2025-12-29.

Conditions:
Inborn genetic diseases. Identifiers: MedGen C0950123, MeSH D030342.
Short-rib thoracic dysplasia 14 with polydactyly (SRTD14). Identifiers: Orphanet 397715, MedGen C4225286, MONDO:0014688, OMIM 616546.
Joubert syndrome 23 (JBTS23). Identifiers: Orphanet 475, MedGen C4084822, MONDO:0014664, OMIM 616490.

Allele frequency attached by ClinVar (database versions not stated): TOPMed below 0.00001; gnomAD 0.00001; gnomAD exomes below 0.00001; ExAC 0.00001.
gnomAD v4.1: 8 of 1,613,202 alleles (0.0005%); highest among the groups gnomAD compares: Admixed American, 0.0033%; no homozygotes.

Submissions (2):

Labcorp Genetics (formerly Invitae), Labcorp
Classification: Uncertain significance for Joubert syndrome 23; Short-rib thoracic dysplasia 14 with polydactyly. Last evaluated: 2025-12-29. Review status: criteria provided, single submitter. Criteria: Invitae Variant Classification Sherloc (09022015). Collection method: clinical testing. Allele origin: germline.
Comment: This sequence change replaces proline, which is neutral and non-polar, with arginine, which is basic and polar, at codon 1113 of the KIAA0586 protein (p.Pro1113Arg). This variant is present in population databases (rs776461604, gnomAD 0.0009%). This variant has not been reported in the literature in individuals affected with KIAA0586-related conditions. ClinVar contains an entry for this variant (Variation ID: 1934250). Invitae Evidence Modeling of protein sequence and biophysical properties (such as structural, functional, and spatial information, amino acid conservation, physicochemical variation, residue mobility, and thermodynamic stability) indicates that this missense variant is expected to disrupt KIAA0586 protein function with a positive predictive value of 80%. In summary, the available evidence is currently insufficient to determine the role of this variant in disease. Therefore, it has been classified as a Variant of Uncertain Significance.

Ambry Genetics
Classification: Uncertain significance for Inborn genetic diseases. Last evaluated: 2025-02-15. Review status: criteria provided, single submitter. Criteria: Ambry Variant Classification Scheme 2023. Collection method: clinical testing. Allele origin: germline.